The following is an entry in ClinVar:

NM_018671.5(UNC45A):c.1718C>T (p.Ala573Val)

Gene: UNC45A (unc-45 myosin chaperone A; plus strand). Cytogenetic location: 15q26.1.
Variant type: single nucleotide variant.
Coding change: c.1718C>T on transcript NM_018671.5 (MANE Select); coding-DNA position 1718, C replaced by T.
Protein change: p.Ala573Val; replaces alanine 573 with valine.
Molecular consequence: missense variant.
Genome position (GRCh38, 1-based): chr15:90,948,264, C>T. VCF-style: chr15-90948264-C-T. GRCh37 (hg19) VCF-style: chr15-91491494-C-T.
Other names: c.1673C>T, p.Ala558Val (NM_001039675.2, NM_001323621.2); c.1718C>T, p.Ala573Val (NM_001323619.1); c.1283C>T, p.Ala428Val (NM_001323620.2); short protein forms A428V, A558V, A573V.
Identifiers: ClinVar variation 2018886 (VCV002018886.4), dbSNP rs1596235528, ClinGen allele CA393857952.
Genomic context (GRCh38, chr15:90,948,264, plus strand): 5'-ACCTGACCTTTGATGCCGACGTGAAGGAAGAGTTTGTGGAGGATGCGGCTGCTCTGAAAG[C>T]TCTGTTCCAGCTCAGCAGGGTAGCTCTGTGGTTCCTGCCGTCAGCCTGGGGACACTGTCT-3'
Protein context (NP_061141.2, residues 563-583): EFVEDAAALK[Ala573Val]LFQLSRLEER

ClinVar aggregate classification (germline): Uncertain significance (1 of 4 stars; one submission).

Submission:

Labcorp Genetics (formerly Invitae), Labcorp
Classification: Uncertain significance. Last evaluated: 2023-01-27. Review status: criteria provided, single submitter. Criteria: Invitae Variant Classification Sherloc (09022015). Collection method: clinical testing. Allele origin: germline.
Comment: This sequence change replaces alanine, which is neutral and non-polar, with valine, which is neutral and non-polar, at codon 573 of the UNC45A protein (p.Ala573Val). This variant is not present in population databases (gnomAD no frequency). This variant has not been reported in the literature in individuals affected with UNC45A-related conditions. Advanced modeling of protein sequence and biophysical properties (such as structural, functional, and spatial information, amino acid conservation, physicochemical variation, residue mobility, and thermodynamic stability) has been performed at Invitae for this missense variant, however the output from this modeling did not meet the statistical confidence thresholds required to predict the impact of this variant on UNC45A protein function. Algorithms developed to predict the effect of sequence changes on RNA splicing suggest that this variant may create or strengthen a splice site. In summary, the available evidence is currently insufficient to determine the role of this variant in disease. Therefore, it has been classified as a Variant of Uncertain Significance.